The following is an entry in ClinVar:

NM_000399.5(EGR2):c.96C>T (p.Ala32=)

Gene: EGR2 (early growth response 2; minus strand). Cytogenetic location: 10q21.3.
Variant type: single nucleotide variant.
Coding change: c.96C>T on transcript NM_000399.5 (MANE Select); coding-DNA position 96, C replaced by T.
Protein change: p.Ala32=; no amino-acid change (alanine 32 retained).
Molecular consequence: synonymous variant. On other transcripts: 5 prime UTR variant (2).
Genome position (GRCh38, 1-based): chr10:62,815,934, G>A on the plus strand (C>T on the coding strand, the complement: EGR2 is on the minus strand). VCF-style: chr10-62815934-G-A. GRCh37 (hg19) VCF-style: chr10-64575694-G-A.
Other names: c.96C>T, p.Ala32= (NM_001136177.3, NM_001136178.2); c.-55C>T (NM_001136179.3, NM_001321037.2).
Identifiers: ClinVar variation 531712 (VCV000531712.35), dbSNP rs769285458, ClinGen allele CA5517339.
Genomic context (GRCh38, chr10:62,815,934, plus strand): 5'-GTTCATCTGGTCAAAGGGGCCTCCCAGTTCGGCATTGGGAAAGATGGTCACCGACGTGGC[G>A]GCGAGGTCCTCCACCGGGTAGATGTTGTCAGACAGCTGGTGCACAAAACCACTGAGAGTT-3'
Protein context (NP_000390.2, residues 22-42): SDNIYPVEDL[Ala32=]ATSVTIFPNA

ClinVar aggregate classification (germline): Likely benign. Review status: criteria provided, multiple submitters, no conflicts (2 of 4 stars). 4 submissions from 4 submitters: Likely benign (4). Last evaluated 2023-09-01.

Conditions:
Charcot-Marie-Tooth disease, type I (CMT1). Also called: Charcot-Marie-Tooth, Type 1; Charcot-Marie-Tooth disease type 1. Identifiers: Orphanet 65753, MedGen C0751036, MONDO:0019011.
Inborn genetic diseases. Identifiers: MedGen C0950123, MeSH D030342.

Allele frequency attached by ClinVar (database versions not stated): gnomAD exomes below 0.00001 and 0.00001; ExAC 0.00001; gnomAD 0.00001; TOPMed 0.00001.

Submissions (4):

CeGaT Center for Human Genetics Tuebingen
Classification: Likely benign. Last evaluated: 2023-09-01. Review status: criteria provided, single submitter. Criteria: CeGaT Center For Human Genetics Tuebingen Variant Classification Criteria Version 2. Collection method: clinical testing. Allele origin: germline. Affected: yes. Observed: 1 variant allele.
Comment: EGR2: PM2:Supporting, BP4, BP7

Ambry Genetics
Classification: Likely benign for Inborn genetic diseases. Last evaluated: 2019-07-11. Review status: criteria provided, single submitter. Criteria: Ambry Variant Classification Scheme 2023. Collection method: clinical testing. Allele origin: germline.

Labcorp Genetics (formerly Invitae), Labcorp
Classification: Likely benign for Charcot-Marie-Tooth disease, type I. Last evaluated: 2017-12-06. Review status: criteria provided, single submitter. Criteria: Invitae Variant Classification Sherloc (09022015). Collection method: clinical testing. Allele origin: germline.

Breakthrough Genomics
Classification: Likely benign. Review status: criteria provided, single submitter. Criteria: ACMG Guidelines, 2015. Collection method: not provided. Allele origin: germline. Inheritance: Autosomal recessive inheritance. Affected: yes.